The following is an entry in ClinVar:

NM_002528.7(NTHL1):c.767C>T (p.Ala256Val)

Gene: NTHL1 (nth like DNA glycosylase 1; minus strand). Cytogenetic location: 16p13.3.
Variant type: single nucleotide variant.
Coding change: c.767C>T on transcript NM_002528.7 (MANE Select); coding-DNA position 767, C replaced by T.
Protein change: p.Ala256Val; replaces alanine 256 with valine.
Molecular consequence: missense variant.
Genome position (GRCh38, 1-based): chr16:2,040,157, G>A on the plus strand (C>T on the coding strand, the complement: NTHL1 is on the minus strand). VCF-style: chr16-2040157-G-A. GRCh37 (hg19) VCF-style: chr16-2090158-G-A.
Other names: c.596C>T, p.Ala199Val (NM_001318193.2); c.437C>T, p.Ala146Val (NM_001318194.2); short protein forms A146V, A199V, A256V.
Identifiers: ClinVar variation 1761218 (VCV001761218.4), dbSNP rs2150938259, ClinGen allele CA394288768.

ClinVar aggregate classification (germline): Uncertain significance. Review status: criteria provided, multiple submitters, no conflicts (2 of 4 stars). 2 submissions from 2 submitters: Uncertain significance (2). Last evaluated 2025-06-04.

Conditions:
Hereditary cancer-predisposing syndrome. Also called: Neoplastic Syndromes, Hereditary; Tumor predisposition; Hereditary Cancer Syndrome; Hereditary neoplastic syndrome. Identifiers: Orphanet 140162, MedGen C0027672, MeSH D009386, MONDO:0015356.

Submissions (2):

GeneDx
Classification: Uncertain significance. Last evaluated: 2025-06-04. Review status: criteria provided, single submitter. Criteria: GeneDx Variant Classification Process June 2021. Collection method: clinical testing. Allele origin: germline. Affected: yes.
Comment: Not observed at significant frequency in large population cohorts (gnomAD); In silico analysis suggests that this missense variant does not alter protein structure/function; Has not been previously published as pathogenic or benign to our knowledge

Ambry Genetics
Classification: Uncertain significance for Hereditary cancer-predisposing syndrome. Last evaluated: 2025-01-14. Review status: criteria provided, single submitter. Criteria: Ambry Variant Classification Scheme 2023. Collection method: clinical testing. Allele origin: germline.
Comment: The p.A264V variant (also known as c.791C>T), located in coding exon 5 of the NTHL1 gene, results from a C to T substitution at nucleotide position 791. The alanine at codon 264 is replaced by valine, an amino acid with similar properties. This amino acid position is conserved. In addition, this alteration is predicted to be tolerated by in silico analysis. Since supporting evidence is limited at this time, the clinical significance of this alteration remains unclear.